The following is an entry in ClinVar:

ClinVar aggregate classification (germline): Conflicting classifications of pathogenicity. Review status: criteria provided, conflicting classifications (1 of 4 stars). 5 submissions from 5 submitters: Uncertain significance (3); Benign (1); Likely benign (1). Last evaluated 2024-09-04.

Conditions:
Brugada syndrome. Also called: Sudden unexpected nocturnal death syndrome; Sudden Unexplained Death Syndrome; Sudden Unexplained Nocturnal Death Syndrome (SUNDS); Sudden unexplained nocturnal death syndrome. Identifiers: Orphanet 130, MedGen C1142166, MONDO:0015263.
Cardiovascular phenotype. Identifiers: MedGen CN230736.

Allele frequency attached by ClinVar (database versions not stated): gnomAD 0.00006; TOPMed 0.00006; ExAC 0.00007; gnomAD exomes 0.00007 and 0.00008; ESP Exome Variant Server 0.00008.

Submissions (5):

Labcorp Genetics (formerly Invitae), Labcorp
Classification: Uncertain significance for Brugada syndrome. Last evaluated: 2024-09-04. Review status: criteria provided, single submitter. Criteria: Invitae Variant Classification Sherloc (09022015). Collection method: clinical testing. Allele origin: germline.
Comment: This sequence change replaces isoleucine, which is neutral and non-polar, with threonine, which is neutral and polar, at codon 1403 of the SCN10A protein (p.Ile1403Thr). This variant is present in population databases (rs140825889, gnomAD 0.02%). This variant has not been reported in the literature in individuals affected with SCN10A-related conditions. ClinVar contains an entry for this variant (Variation ID: 532106). Invitae Evidence Modeling of protein sequence and biophysical properties (such as structural, functional, and spatial information, amino acid conservation, physicochemical variation, residue mobility, and thermodynamic stability) indicates that this missense variant is expected to disrupt SCN10A protein function with a positive predictive value of 80%. In summary, the available evidence is currently insufficient to determine the role of this variant in disease. Therefore, it has been classified as a Variant of Uncertain Significance.

CeGaT Center for Human Genetics Tuebingen
Classification: Uncertain significance. Last evaluated: 2022-12-01. Review status: criteria provided, single submitter. Criteria: CeGaT Center For Human Genetics Tuebingen Variant Classification Criteria Version 2. Collection method: clinical testing. Allele origin: germline. Affected: yes. Observed: 1 variant allele.
Comment: SCN10A: PP3

Mayo Clinic Laboratories, Mayo Clinic
Classification: Benign. Last evaluated: 2021-09-15. Review status: criteria provided, single submitter. Criteria: ACMG Guidelines, 2015. Collection method: clinical testing. Allele origin: germline. Observed: 2 variant alleles.
Comment: BS1, BS2, PP3

Ambry Genetics
Classification: Likely benign for Cardiovascular phenotype. Last evaluated: 2019-12-21. Review status: criteria provided, single submitter. Criteria: Ambry Variant Classification Scheme 2023. Collection method: clinical testing. Allele origin: germline.

Breakthrough Genomics
Classification: Uncertain significance. Review status: criteria provided, single submitter. Criteria: ACMG Guidelines, 2015. Collection method: not provided. Allele origin: germline. Inheritance: Autosomal dominant inheritance. Affected: yes.

NM_006514.4(SCN10A):c.4208T>C (p.Ile1403Thr)

Gene: SCN10A (sodium voltage-gated channel alpha subunit 10; minus strand). Cytogenetic location: 3p22.2.
Variant type: single nucleotide variant.
Coding change: c.4208T>C on transcript NM_006514.4 (MANE Select); coding-DNA position 4208, T replaced by C.
Protein change: p.Ile1403Thr; replaces isoleucine 1403 with threonine.
Molecular consequence: missense variant.
Genome position (GRCh38, 1-based): chr3:38,709,551, A>G on the plus strand (T>C on the coding strand, the complement: SCN10A is on the minus strand). VCF-style: chr3-38709551-A-G. GRCh37 (hg19) VCF-style: chr3-38751042-A-G.
Other names: p.Ile1403Thr; c.4205T>C, p.Ile1402Thr (NM_001293306.2); c.3914T>C, p.Ile1305Thr (NM_001293307.2); short protein forms I1403T, I1402T, I1305T.
Identifiers: ClinVar variation 532106 (VCV000532106.31), dbSNP rs140825889, ClinGen allele CA2319979.